The following is an entry in ClinVar:

NM_004946.3(DOCK2):c.3950T>C (p.Leu1317Pro)

Gene: DOCK2 (dedicator of cytokinesis 2; plus strand). Cytogenetic location: 5q35.1.
Variant type: single nucleotide variant.
Coding change: c.3950T>C on transcript NM_004946.3 (MANE Select); coding-DNA position 3950, T replaced by C.
Protein change: p.Leu1317Pro; replaces leucine 1317 with proline.
Molecular consequence: missense variant. On other transcripts: non-coding transcript variant (1).
Genome position (GRCh38, 1-based): chr5:170,045,889, T>C. VCF-style: chr5-170045889-T-C. GRCh37 (hg19) VCF-style: chr5-169472893-T-C.
Other names: short protein forms L1317P.
Identifiers: ClinVar variation 1379278 (VCV001379278.7), dbSNP rs2113848335, ClinGen allele CA362109450.

ClinVar aggregate classification (germline): Uncertain significance. Review status: criteria provided, multiple submitters, no conflicts (2 of 4 stars). 2 submissions from 2 submitters: Uncertain significance (2). Last evaluated 2022-08-09.

Conditions:
DOCK2 deficiency. Also called: Immunodeficiency 40. Identifiers: Orphanet 447737, MedGen C4225328, MONDO:0014637, OMIM 616433.

gnomAD v4.1: 1 of 1,614,144 alleles (0.000062%); no homozygotes.

Submissions (2):

Labcorp Genetics (formerly Invitae), Labcorp
Classification: Uncertain significance for DOCK2 deficiency. Last evaluated: 2022-08-09. Review status: criteria provided, single submitter. Criteria: Invitae Variant Classification Sherloc (09022015). Collection method: clinical testing. Allele origin: germline.
Comment: In summary, the available evidence is currently insufficient to determine the role of this variant in disease. Therefore, it has been classified as a Variant of Uncertain Significance. Algorithms developed to predict the effect of missense changes on protein structure and function (SIFT, PolyPhen-2, Align-GVGD) all suggest that this variant is likely to be tolerated. ClinVar contains an entry for this variant (Variation ID: 1379278). This variant has not been reported in the literature in individuals affected with DOCK2-related conditions. This variant is not present in population databases (gnomAD no frequency). This sequence change replaces leucine, which is neutral and non-polar, with proline, which is neutral and non-polar, at codon 1317 of the DOCK2 protein (p.Leu1317Pro).

Blueprint Genetics
Classification: Uncertain significance. Last evaluated: 2021-08-19. Review status: criteria provided, single submitter. Criteria: ACMG Guidelines, 2015. Collection method: clinical testing. Allele origin: germline.